The following is an entry in ClinVar:

NM_033305.3(VPS13A):c.8046del (p.Phe2683fs)

Gene: VPS13A (vacuolar protein sorting 13 homolog A; plus strand). Cytogenetic location: 9q21.2.
Variant type: Deletion.
Coding change: c.8046del on transcript NM_033305.3 (MANE Select); coding-DNA position 8046, one base deleted (C; older notation c.8046delC).
Protein change: p.Phe2683fs; shifts the reading frame from phenylalanine 2683.
Molecular consequence: frameshift variant.
Genome position (GRCh38, 1-based): chr9:77,359,343, C deleted; the last of 3 consecutive C bases (chr9:77,359,341-77,359,343); deleting any one gives the same sequence. VCF-style (leftmost placement, unchanged base first): chr9-77359340-GC-G. GRCh37 (hg19) VCF-style: chr9-79974256-GC-G.
Other names: c.7929del, p.Phe2644fs (NM_001018037.2); c.8046del, p.Phe2683fs (NM_001018038.3, NM_015186.4); short protein forms F2644fs, F2683fs.
Identifiers: ClinVar variation 5016057 (VCV005016057.1).

ClinVar aggregate classification (germline): Pathogenic (1 of 4 stars; one submission).

Conditions:
VPS13A-related neurodegenerative disease. Also called: ACANTHOCYTOSIS WITH NEUROLOGIC DISORDER; LEVINE-CRITCHLEY SYNDROME; Choreoacanthocytosis; Chorea-acanthocytosis; Choreaacanthocytosis; VPS13A Disease. Identifiers: Orphanet 2388, MedGen C0393576, MONDO:0008695, OMIM 200150.

Submission:

Myriad Genetics, Inc.
Classification: Pathogenic for VPS13A-related neurodegenerative disease. Last evaluated: 2026-06-20. Review status: criteria provided, single submitter. Criteria: Myriad Autosomal Dominant, Autosomal Recessive and X-Linked Classification Criteria (2023). Collection method: clinical testing. Allele origin: unknown.
Comment: NM_033305.2(VPS13A):c.8046delC(F2683Lfs*8) is expected to be pathogenic in the context of VPS13A disease. This variant is predicted to lead to an abnormal or absent protein product due to the creation of a premature termination codon in VPS13A, a gene where loss-of-function variants are known to be pathogenic. Please note: this variant was assessed in the context of healthy population screening.